The following is an entry in ClinVar:

NM_001042492.3(NF1):c.5051C>G (p.Ser1684Cys)

Gene: NF1 (neurofibromin 1; plus strand). Cytogenetic location: 17q11.2.
Variant type: single nucleotide variant.
Coding change: c.5051C>G on transcript NM_001042492.3 (MANE Select); coding-DNA position 5051, C replaced by G.
Protein change: p.Ser1684Cys; replaces serine 1684 with cysteine.
Molecular consequence: missense variant.
Genome position (GRCh38, 1-based): chr17:31,326,035, C>G. VCF-style: chr17-31326035-C-G. GRCh37 (hg19) VCF-style: chr17-29653053-C-G.
Other names: c.4988C>G, p.Ser1663Cys (NM_000267.4); short protein forms S1663C, S1684C.
Identifiers: ClinVar variation 1050987 (VCV001050987.5), dbSNP rs2151538280, ClinGen allele CA399007403.

ClinVar aggregate classification (germline): Uncertain significance (1 of 4 stars; one submission).

Conditions:
Neurofibromatosis, type 1 (NF1). Also called: Peripheral type neurofibromatosis; Neurofibromatosis, type I; VON RECKLINGHAUSEN DISEASE; NEUROFIBROMATOSIS, TYPE I, SOMATIC. Identifiers: Orphanet 636, MedGen C0027831, MONDO:0018975, OMIM 162200. Disease mechanism: loss of function.

gnomAD v4.1: 1 of 1,614,184 alleles (0.000062%); highest among the groups gnomAD compares: Non-Finnish European, 0.000085%; no homozygotes.

Submission:

Labcorp Genetics (formerly Invitae), Labcorp
Classification: Uncertain significance for Neurofibromatosis, type 1. Last evaluated: 2024-05-07. Review status: criteria provided, single submitter. Criteria: Invitae Variant Classification Sherloc (09022015). Collection method: clinical testing. Allele origin: germline.
Comment: This sequence change replaces serine, which is neutral and polar, with cysteine, which is neutral and slightly polar, at codon 1663 of the NF1 protein (p.Ser1663Cys). This variant is not present in population databases (gnomAD no frequency). This variant has not been reported in the literature in individuals affected with NF1-related conditions. ClinVar contains an entry for this variant (Variation ID: 1050987). Advanced modeling of protein sequence and biophysical properties (such as structural, functional, and spatial information, amino acid conservation, physicochemical variation, residue mobility, and thermodynamic stability) performed at Invitae indicates that this missense variant is expected to disrupt NF1 protein function with a positive predictive value of 95%. In summary, the available evidence is currently insufficient to determine the role of this variant in disease. Therefore, it has been classified as a Variant of Uncertain Significance.